The following is an entry in ClinVar:

NM_005515.4(MNX1):c.356C>T (p.Pro119Leu)

Gene: MNX1 (motor neuron and pancreas homeobox 1; minus strand). Cytogenetic location: 7q36.3.
Variant type: single nucleotide variant.
Coding change: c.356C>T on transcript NM_005515.4 (MANE Select); coding-DNA position 356, C replaced by T.
Protein change: p.Pro119Leu; replaces proline 119 with leucine.
Molecular consequence: missense variant.
Genome position (GRCh38, 1-based): chr7:157,009,995, G>A on the plus strand (C>T on the coding strand, the complement: MNX1 is on the minus strand). VCF-style: chr7-157009995-G-A. GRCh37 (hg19) VCF-style: chr7-156802689-G-A.
Other names: short protein forms P119L.
Identifiers: ClinVar variation 4797258 (VCV004797258.1).

ClinVar aggregate classification (germline): Uncertain significance (1 of 4 stars; one submission).

gnomAD v4.1: 2 of 984,372 alleles (0.0002%); highest among the groups gnomAD compares: Non-Finnish European, 0.00024%; no homozygotes.

Submission:

Labcorp Genetics (formerly Invitae), Labcorp
Classification: Uncertain significance. Last evaluated: 2025-05-25. Review status: criteria provided, single submitter. Criteria: Invitae Variant Classification Sherloc (09022015). Collection method: clinical testing. Allele origin: germline.
Comment: This sequence change replaces proline, which is neutral and non-polar, with leucine, which is neutral and non-polar, at codon 119 of the MNX1 protein (p.Pro119Leu). The frequency data for this variant in the population databases is considered unreliable, as metrics indicate insufficient coverage at this position in the gnomAD database. This variant has not been reported in the literature in individuals affected with MNX1-related conditions. Invitae Evidence Modeling of protein sequence and biophysical properties (such as structural, functional, and spatial information, amino acid conservation, physicochemical variation, residue mobility, and thermodynamic stability) indicates that this missense variant is not expected to disrupt MNX1 protein function with a negative predictive value of 80%. In summary, the available evidence is currently insufficient to determine the role of this variant in disease. Therefore, it has been classified as a Variant of Uncertain Significance.